The following is an entry in ClinVar:

ClinVar aggregate classification (germline): Uncertain significance. Review status: criteria provided, multiple submitters, no conflicts (2 of 4 stars). 2 submissions from 2 submitters: Uncertain significance (2). Last evaluated 2025-08-25.

Conditions:
Ataxia-telangiectasia syndrome (AT). Also called: Ataxia-telangiectasia, complementation group D; Ataxia telangiectasia (A-T); ATAXIA-TELANGIECTASIA, COMPLEMENTATION GROUP A; LOUIS-BAR SYNDROME; Cerebello-oculocutaneous telangiectasia; Immunodeficiency with ataxia telangiectasia. Identifiers: Orphanet 100, MedGen C0004135, MONDO:0008840, OMIM 208900.
Hereditary cancer-predisposing syndrome. Also called: Hereditary Cancer Syndrome; Hereditary neoplastic syndrome; Neoplastic Syndromes, Hereditary; Tumor predisposition. Identifiers: Orphanet 140162, MedGen C0027672, MeSH D009386, MONDO:0015356.

Submissions (2):

Ambry Genetics
Classification: Uncertain significance for Hereditary cancer-predisposing syndrome. Last evaluated: 2025-08-25. Review status: criteria provided, single submitter. Criteria: Ambry Variant Classification Scheme 2023. Collection method: clinical testing. Allele origin: germline.

Labcorp Genetics (formerly Invitae), Labcorp
Classification: Uncertain significance for Ataxia-telangiectasia syndrome. Last evaluated: 2024-05-28. Review status: criteria provided, single submitter. Criteria: Invitae Variant Classification Sherloc (09022015). Collection method: clinical testing. Allele origin: germline.
Comment: This sequence change replaces glutamic acid, which is acidic and polar, with aspartic acid, which is acidic and polar, at codon 257 of the ATM protein (p.Glu257Asp). This variant is not present in population databases (gnomAD no frequency). This variant has not been reported in the literature in individuals affected with ATM-related conditions. ClinVar contains an entry for this variant (Variation ID: 1722055). An algorithm developed to predict the effect of missense changes on protein structure and function (PolyPhen-2) suggests that this variant is likely to be tolerated. In summary, the available evidence is currently insufficient to determine the role of this variant in disease. Therefore, it has been classified as a Variant of Uncertain Significance.

NM_000051.4(ATM):c.771A>C (p.Glu257Asp)

Gene: ATM (ATM serine/threonine kinase; plus strand). Cytogenetic location: 11q22.3.
Variant type: single nucleotide variant.
Coding change: c.771A>C on transcript NM_000051.4 (MANE Select); coding-DNA position 771, A replaced by C.
Protein change: p.Glu257Asp; replaces glutamic acid 257 with aspartic acid.
Molecular consequence: missense variant.
Genome position (GRCh38, 1-based): chr11:108,244,896, A>C. VCF-style: chr11-108244896-A-C. GRCh37 (hg19) VCF-style: chr11-108115623-A-C.
Other names: c.771A>C, p.Glu257Asp (NM_001351834.2); short protein forms E257D.
Identifiers: ClinVar variation 1722055 (VCV001722055.6), dbSNP rs786201068, ClinGen allele CA382529314.